The following is an entry in ClinVar:

ClinVar aggregate classification (germline): Pathogenic (1 of 4 stars; one submission).

Conditions:
Ehlers-Danlos syndrome due to tenascin-X deficiency (EDSCLL1). Also called: EDS DUE TO TNX DEFICIENCY; TNX DEFICIENCY; Ehlers-Danlos syndrome, classic-like, 1; EHLERS-DANLOS SYNDROME, CLASSIC-LIKE; TNXB-Related Classical-Like Ehlers-Danlos Syndrome. Identifiers: Orphanet 230839, MedGen C1848029, MONDO:0011670, OMIM 606408.

Submission:

Myriad Genetics, Inc.
Classification: Pathogenic for Ehlers-Danlos syndrome due to tenascin-X deficiency. Last evaluated: 2026-05-21. Review status: criteria provided, single submitter. Criteria: Myriad Autosomal Dominant, Autosomal Recessive and X-Linked Classification Criteria (2023). Collection method: clinical testing. Allele origin: unknown.
Comment: NM_019105.6(TNXB):c.6240delC(S2081Afs*21) is expected to be pathogenic in the context of classical-like Ehlers-Danlos syndrome, TNXB-related. This variant is predicted to lead to an abnormal or absent protein product due to the creation of a premature termination codon in TNXB, a gene where loss-of-function variants are known to be pathogenic. Please note: this variant was assessed in the context of healthy population screening.

NM_001365276.2(TNXB):c.6240del (p.Ser2081fs)

Gene: TNXB (tenascin XB; minus strand). Cytogenetic location: 6p21.33.
Variant type: Deletion.
Coding change: c.6240del on transcript NM_001365276.2 (MANE Select); coding-DNA position 6240, one base deleted (C; older notation c.6240delC).
Protein change: p.Ser2081fs; shifts the reading frame from serine 2081.
Molecular consequence: frameshift variant.
Genome position (GRCh38, 1-based): chr6:32,067,965, G deleted on the plus strand (C on the coding strand, the reverse complement: TNXB is on the minus strand); the first of 5 consecutive G bases (chr6:32,067,965-32,067,969); deleting any one gives the same sequence. VCF-style (leftmost placement, unchanged base first): chr6-32067964-TG-T. GRCh37 (hg19) VCF-style: chr6-32035741-TG-T.
Other names: c.6981del, p.Ser2328fs (NM_001428335.1); c.6240del, p.Ser2081fs (NM_019105.8); short protein forms S2081fs, S2328fs.
Identifiers: ClinVar variation 5015937 (VCV005015937.1).